The following is an entry in ClinVar:

ClinVar aggregate classification (germline): Conflicting classifications of pathogenicity. Review status: criteria provided, conflicting classifications (1 of 4 stars). 3 submissions from 3 submitters: Uncertain significance (2); Likely benign (1). Last evaluated 2026-04-15.

Conditions:
CTNNA1-related disorder. Also called: CTNNA1-related condition.
Hereditary cancer-predisposing syndrome. Also called: Neoplastic Syndromes, Hereditary; Tumor predisposition; Hereditary neoplastic syndrome; Hereditary Cancer Syndrome. Identifiers: Orphanet 140162, MedGen C0027672, MeSH D009386, MONDO:0015356.

Allele frequency attached by ClinVar (database versions not stated): ExAC 0.00002; gnomAD exomes 0.00002 and 0.00003; gnomAD 0.00001; TOPMed 0.00001.
gnomAD v4.1: 13 of 1,614,010 alleles (0.00081%); highest among the groups gnomAD compares: Admixed American, 0.015%; no homozygotes.

Submissions (3):

PreventionGenetics, part of Exact Sciences
Classification: Uncertain significance for CTNNA1-related condition. Last evaluated: 2026-04-15. Review status: criteria provided, single submitter. Criteria: ACMG Guidelines, 2015. Collection method: clinical testing. Allele origin: germline.
Comment: The CTNNA1 c.248G>A variant is predicted to result in the amino acid substitution p.Ser83Asn. This variant has been reported in an individual with gastric and/or breast cancer (Supplemental Table 1, Clark et al. 2020. PubMed ID: 32051609). This variant is reported in 0.017% of alleles in individuals of Latino descent in gnomAD and has conflicting interpretations regarding its pathogenicity in ClinVar, ranging from likely benign to uncertain (Variation ID: 639838). Although we suspect that this variant may be benign, at this time, the clinical significance of this variant is uncertain due to the absence of conclusive functional and genetic evidence.

Labcorp Genetics (formerly Invitae), Labcorp
Classification: Uncertain significance. Last evaluated: 2026-01-04. Review status: criteria provided, single submitter. Criteria: Invitae Variant Classification Sherloc (09022015). Collection method: clinical testing. Allele origin: germline.
Comment: This sequence change replaces serine, which is neutral and polar, with asparagine, which is neutral and polar, at codon 83 of the CTNNA1 protein (p.Ser83Asn). This variant is present in population databases (rs750796277, gnomAD 0.02%). This variant has not been reported in the literature in individuals affected with CTNNA1-related conditions. ClinVar contains an entry for this variant (Variation ID: 639838). Invitae Evidence Modeling of protein sequence and biophysical properties (such as structural, functional, and spatial information, amino acid conservation, physicochemical variation, residue mobility, and thermodynamic stability) indicates that this missense variant is not expected to disrupt CTNNA1 protein function with a negative predictive value of 80%. In summary, the available evidence is currently insufficient to determine the role of this variant in disease. Therefore, it has been classified as a Variant of Uncertain Significance.

Ambry Genetics
Classification: Likely benign for Hereditary cancer-predisposing syndrome. Last evaluated: 2021-12-27. Review status: criteria provided, single submitter. Criteria: Ambry Variant Classification Scheme 2023. Collection method: clinical testing. Allele origin: germline.

NM_001903.5(CTNNA1):c.248G>A (p.Ser83Asn)

Gene: CTNNA1 (catenin alpha 1; plus strand). Cytogenetic location: 5q31.2.
Variant type: single nucleotide variant.
Coding change: c.248G>A on transcript NM_001903.5 (MANE Select); coding-DNA position 248, G replaced by A.
Protein change: p.Ser83Asn; replaces serine 83 with asparagine.
Molecular consequence: missense variant. On other transcripts: intron variant (2).
Genome position (GRCh38, 1-based): chr5:138,783,319, G>A. VCF-style: chr5-138783319-G-A. GRCh37 (hg19) VCF-style: chr5-138119008-G-A.
Other names: c.248G>A, p.Ser83Asn (NM_001290307.3, NM_001323982.2, NM_001323983.1 and 3 more transcripts); c.-6+47G>A (NM_001290310.3); c.-9+1290G>A (NM_001290309.3); c.248G>A (NM_001903.4); short protein forms S83N.
Identifiers: ClinVar variation 639838 (VCV000639838.15), dbSNP rs750796277, ClinGen allele CA3431385.